The following is an entry in ClinVar:

NM_001958.5(EEF1A2):c.46G>A (p.Val16Met)

Gene: EEF1A2 (eukaryotic translation elongation factor 1 alpha 2; minus strand). Cytogenetic location: 20q13.33.
Variant type: single nucleotide variant.
Coding change: c.46G>A on transcript NM_001958.5 (MANE Select); coding-DNA position 46, G replaced by A.
Protein change: p.Val16Met; replaces valine 16 with methionine.
Molecular consequence: missense variant.
Genome position (GRCh38, 1-based): chr20:63,497,718, C>T on the plus strand (G>A on the coding strand, the complement: EEF1A2 is on the minus strand). VCF-style: chr20-63497718-C-T. GRCh37 (hg19) VCF-style: chr20-62129071-C-T.
Other names: short protein forms V16M.
Identifiers: ClinVar variation 4856280 (VCV004856280.1).
Genomic context (GRCh38, chr20:63,497,718, plus strand): 5'-TGTCAATACCTCCGCATTTGTAGATGAGGTGGCCCGTGGTGGTGGACTTTCCGGAGTCCA[C>T]GTGGCCGATGACCACGATGTTGATGTGGGTCTTCTCCTTGCCCATTTTGCTGGGAGTGTG-3'
Protein context (NP_001949.1, residues 6-26): THINIVVIGH[Val16Met]DSGKSTTTGH

ClinVar aggregate classification (germline): Uncertain significance (1 of 4 stars; one submission).

Conditions:
Developmental and epileptic encephalopathy, 33 (DEE33). Also called: Epileptic encephalopathy, early infantile, 33. Identifiers: Orphanet 442835, MedGen C4225337, MONDO:0014625, OMIM 616409.

Submission:

3billion
Classification: Uncertain significance for Developmental and epileptic encephalopathy, 33. Last evaluated: 2025-12-10. Review status: criteria provided, single submitter. Criteria: ACMG Guidelines, 2015. Collection method: clinical testing. Allele origin: germline. Affected: yes.
Comment: The variant is not observed in the gnomAD v4.1.0 dataset. Predicted Consequence/Location: Missense variant. Missense changes are a common disease-causing mechanism. In silico tool predictions suggest damaging effect of the variant on gene or gene product [REVEL: 0.73 (>=0.6, sensitivity 0.68 and specificity 0.92); 3Cnet: 0.99 (> 0.75, sensitivity 0.96 and precision 0.92)]. Different missense changes at the same codon (p.Val16Ala, p.Val16Leu) have been reported to be associated with EEF1A2-related disorder (ClinVar ID: VCV000870132, VCV001333252 /PMID: 33307280, 37088138). Therefore, this variant is classified as VUS according to the recommendation of ACMG/AMP guideline.

Literature cited by the submitters: PubMed 33307280.